The following is an entry in ClinVar:

NM_001134407.3(GRIN2A):c.*6472G>C

Gene: GRIN2A (glutamate ionotropic receptor NMDA type subunit 2A; minus strand). Cytogenetic location: 16p13.2.
Variant type: single nucleotide variant.
Coding change: c.*6472G>C on transcript NM_001134407.3 (MANE Select); 6472 bases downstream of the stop codon, G replaced by C.
Molecular consequence: 3 prime UTR variant.
Genome position (GRCh38, 1-based): chr16:9,756,677, C>G on the plus strand (G>C on the coding strand, the complement: GRIN2A is on the minus strand). VCF-style: chr16-9756677-C-G. GRCh37 (hg19) VCF-style: chr16-9850534-C-G.
Other names: c.*6472G>C (NM_000833.5); c.*6678G>C (NM_001134408.2).
Identifiers: ClinVar variation 885066 (VCV000885066.4), dbSNP rs143106212, ClinGen allele CA14261413.

ClinVar aggregate classification (germline): Benign (1 of 4 stars; one submission).

Conditions:
Landau-Kleffner syndrome (FESD). Also called: APHASIA, ACQUIRED, WITH EPILEPSY; EPILEPSY, FOCAL, WITH SPEECH DISORDER AND WITH OR WITHOUT MENTAL RETARDATION. Identifiers: Orphanet 1945, Orphanet 725, Orphanet 98818, MedGen C0282512, MONDO:0009509, OMIM 245570.

Allele frequency attached by ClinVar (database versions not stated): TOPMed 0.00053; gnomAD 0.00104 and 0.00120; 1000 Genomes Project 30x 0.00141; 1000 Genomes Project 0.00180; gnomAD exomes 0.00348.
gnomAD v4.1: 304 of 189,754 alleles (0.16%); highest among the groups gnomAD compares: East Asian, 1.3%; 2 homozygotes.

Submission:

Illumina Laboratory Services, Illumina
Classification: Benign for Landau-Kleffner syndrome. Last evaluated: 2018-01-13. Review status: criteria provided, single submitter. Criteria: ICSL Variant Classification Criteria 13 December 2019. Collection method: clinical testing. Allele origin: germline.
Comment: This variant was observed in the ICSL laboratory as part of a predisposition screen in an ostensibly healthy population. It had not been previously curated by ICSL or reported in the Human Gene Mutation Database (HGMD: prior to June 1st, 2018), and was therefore a candidate for classification through an automated scoring system. Utilizing variant allele frequency, disease prevalence and penetrance estimates, and inheritance mode, an automated score was calculated to assess if this variant is too frequent to cause the disease. Based on the score and internal cut-off values, a variant classified as benign is not then subjected to further curation. The score for this variant resulted in a classification of benign for this disease.